The following is an entry in ClinVar:

NM_019098.5(CNGB3):c.1231C>T (p.Leu411Phe)

Gene: CNGB3 (cyclic nucleotide gated channel subunit beta 3; minus strand). Cytogenetic location: 8q21.3.
Variant type: single nucleotide variant.
Coding change: c.1231C>T on transcript NM_019098.5 (MANE Select); coding-DNA position 1231, C replaced by T.
Protein change: p.Leu411Phe; replaces leucine 411 with phenylalanine.
Molecular consequence: missense variant.
Genome position (GRCh38, 1-based): chr8:86,632,841, G>A on the plus strand (C>T on the coding strand, the complement: CNGB3 is on the minus strand). VCF-style: chr8-86632841-G-A. GRCh37 (hg19) VCF-style: chr8-87645069-G-A.
Other names: short protein forms L411F.
Identifiers: ClinVar variation 1430988 (VCV001430988.8), dbSNP rs1822988745, ClinGen allele CA371444341.

ClinVar aggregate classification (germline): Uncertain significance (1 of 4 stars; one submission).

Allele frequency attached by ClinVar (database versions not stated): TOPMed below 0.00001; gnomAD 0.00001.
gnomAD v4.1: 1 of 1,612,648 alleles (0.000062%); highest among the groups gnomAD compares: Non-Finnish European, 0.000085%; no homozygotes.

Submission:

Labcorp Genetics (formerly Invitae), Labcorp
Classification: Uncertain significance. Last evaluated: 2021-04-16. Review status: criteria provided, single submitter. Criteria: Invitae Variant Classification Sherloc (09022015). Collection method: clinical testing. Allele origin: germline.
Comment: Algorithms developed to predict the effect of missense changes on protein structure and function are either unavailable or do not agree on the potential impact of this missense change (SIFT: "Deleterious"; PolyPhen-2: "Probably Damaging"; Align-GVGD: "Class C0"). In summary, the available evidence is currently insufficient to determine the role of this variant in disease. Therefore, it has been classified as a Variant of Uncertain Significance. This variant has not been reported in the literature in individuals with CNGB3-related conditions. This sequence change replaces leucine with phenylalanine at codon 411 of the CNGB3 protein (p.Leu411Phe). The leucine residue is highly conserved and there is a small physicochemical difference between leucine and phenylalanine. This variant is not present in population databases (ExAC no frequency).